The following is an entry in ClinVar:

NC_000001.10:g.(?_215901362)_(215940140_?)del

Gene: USH2A (usherin; minus strand). Cytogenetic location: 1q41.
Variant type: Deletion.
Identifiers: ClinVar variation 1068612 (VCV001068612.4).

ClinVar aggregate classification (germline): Pathogenic (1 of 4 stars; one submission).

Submission:

Labcorp Genetics (formerly Invitae), Labcorp
Classification: Pathogenic. Last evaluated: 2020-08-08. Review status: criteria provided, single submitter. Criteria: Invitae Variant Classification Sherloc (09022015). Collection method: clinical testing. Allele origin: germline.
Comment: This variant is an out-of-frame deletion of the genomic region encompassing exon(s) 56-61 of the USH2A gene. This is expected to create a premature translational stop signal and result in an absent or disrupted protein product. This variant has not been reported in the literature in individuals with USH2A-related conditions. Loss-of-function variants in USH2A are known to be pathogenic (PMID: 10729113, 10909849, 20507924, 25649381). For these reasons, this variant has been classified as Pathogenic.

Literature cited by the submitters: PubMed 10729113; PubMed 10909849; PubMed 20507924; PubMed 25649381.